The following is an entry in ClinVar:

ClinVar aggregate classification (germline): Conflicting classifications of pathogenicity. Review status: criteria provided, conflicting classifications (1 of 4 stars). 4 submissions from 4 submitters: Uncertain significance (3); Likely benign (1). Last evaluated 2026-03-23.

Conditions:
Inborn genetic diseases. Identifiers: MedGen C0950123, MeSH D030342.
PCNT-related disorder. Also called: PCNT-related condition.
Microcephalic osteodysplastic primordial dwarfism type II (MOPD2). Also called: Microcephalic osteodysplastic primordial dwarfism with tooth abnormalities; MOPD II; OSTEODYSPLASTIC PRIMORDIAL DWARFISM, TYPE II. Identifiers: Orphanet 2637, MedGen C0432246, MONDO:0008872, OMIM 210720.

Allele frequency attached by ClinVar (database versions not stated): gnomAD exomes 0.00002 and 0.00010; gnomAD 0.00003 and 0.00004; TOPMed 0.00007; ExAC 0.00015.
gnomAD v4.1: 36 of 1,590,102 alleles (0.0023%); highest among the groups gnomAD compares: Admixed American, 0.019%; no homozygotes.

Submissions (4):

PreventionGenetics, part of Exact Sciences
Classification: Uncertain significance for PCNT-related condition. Last evaluated: 2026-03-23. Review status: criteria provided, single submitter. Criteria: ACMG Guidelines, 2015. Collection method: clinical testing. Allele origin: germline.
Comment: The PCNT c.5849G>A variant is predicted to result in the amino acid substitution p.Arg1950Gln. To our knowledge, this variant has not been reported in the literature. This variant is reported in 0.037% of alleles in individuals of Latino descent in gnomAD. At this time, the clinical significance of this variant is uncertain due to the absence of conclusive functional and genetic evidence.

Ambry Genetics
Classification: Likely benign for Inborn genetic diseases. Last evaluated: 2025-07-08. Review status: criteria provided, single submitter. Criteria: Ambry Variant Classification Scheme 2023. Collection method: clinical testing. Allele origin: germline.

Labcorp Genetics (formerly Invitae), Labcorp
Classification: Uncertain significance. Last evaluated: 2024-11-11. Review status: criteria provided, single submitter. Criteria: Invitae Variant Classification Sherloc (09022015). Collection method: clinical testing. Allele origin: germline.
Comment: This sequence change replaces arginine, which is basic and polar, with glutamine, which is neutral and polar, at codon 1950 of the PCNT protein (p.Arg1950Gln). This variant is present in population databases (rs753398573, gnomAD 0.03%). This variant has not been reported in the literature in individuals affected with PCNT-related conditions. ClinVar contains an entry for this variant (Variation ID: 895681). An algorithm developed to predict the effect of missense changes on protein structure and function outputs the following: PolyPhen-2: "Benign". The glutamine amino acid residue is found in multiple mammalian species, which suggests that this missense change does not adversely affect protein function. In summary, the available evidence is currently insufficient to determine the role of this variant in disease. Therefore, it has been classified as a Variant of Uncertain Significance.

Illumina Laboratory Services, Illumina
Classification: Uncertain significance for Microcephalic osteodysplastic primordial dwarfism type II. Last evaluated: 2018-01-13. Review status: criteria provided, single submitter. Criteria: ICSL Variant Classification Criteria 13 December 2019. Collection method: clinical testing. Allele origin: germline.

NM_006031.6(PCNT):c.5849G>A (p.Arg1950Gln)

Gene: PCNT (pericentrin; plus strand). Cytogenetic location: 21q22.3.
Variant type: single nucleotide variant.
Coding change: c.5849G>A on transcript NM_006031.6 (MANE Select); coding-DNA position 5849, G replaced by A.
Protein change: p.Arg1950Gln; replaces arginine 1950 with glutamine.
Molecular consequence: missense variant.
Genome position (GRCh38, 1-based): chr21:46,411,922, G>A. VCF-style: chr21-46411922-G-A. GRCh37 (hg19) VCF-style: chr21-47831836-G-A.
Other names: c.5495G>A, p.Arg1832Gln (NM_001315529.2); short protein forms R1832Q, R1950Q.
Identifiers: ClinVar variation 895681 (VCV000895681.11), dbSNP rs753398573, ClinGen allele CA10080101.